The following is an entry in ClinVar:

NM_004415.4(DSP):c.1870A>G (p.Ile624Val)

Gene: DSP (desmoplakin; plus strand). Cytogenetic location: 6p24.3.
Variant type: single nucleotide variant.
Coding change: c.1870A>G on transcript NM_004415.4 (MANE Select); coding-DNA position 1870, A replaced by G.
Protein change: p.Ile624Val; replaces isoleucine 624 with valine.
Molecular consequence: missense variant.
Genome position (GRCh38, 1-based): chr6:7,571,551, A>G. VCF-style: chr6-7571551-A-G. GRCh37 (hg19) VCF-style: chr6-7571784-A-G.
Other names: c.1870A>G, p.Ile624Val (NM_001008844.3, NM_001319034.2); short protein forms I624V.
Identifiers: ClinVar variation 1021245 (VCV001021245.6), dbSNP rs1759053122, ClinGen allele CA362679662.

ClinVar aggregate classification (germline): Uncertain significance (1 of 4 stars; one submission).

Conditions:
Arrhythmogenic cardiomyopathy with wooly hair and keratoderma. Also called: Dilated cardiomyopathy with woolly hair and keratoderma; PALMOPLANTAR KERATODERMA WITH LEFT VENTRICULAR CARDIOMYOPATHY AND WOOLLY HAIR; Arrhythmogenic cardiomyopathy with woolly hair and keratoderma; Carvajal syndrome. Identifiers: Orphanet 65282, MedGen C1854063, MONDO:0011581, OMIM 605676.
Arrhythmogenic right ventricular dysplasia 8 (ARVD8). Also called: Arrhythmogenic Right Ventricular Dysplasia/Cardiomyopathy 8; ARRHYTHMOGENIC RIGHT VENTRICULAR DYSPLASIA, FAMILIAL, 8; ARRHYTHMOGENIC RIGHT VENTRICULAR CARDIOMYOPATHY 8. Identifiers: MedGen C1843896, MONDO:0011831, OMIM 607450.

Allele frequency attached by ClinVar (database versions not stated): gnomAD exomes below 0.00001.
gnomAD v4.1: 1 of 1,614,258 alleles (0.000062%); highest among the groups gnomAD compares: Non-Finnish European, 0.000085%; no homozygotes.

Submission:

Labcorp Genetics (formerly Invitae), Labcorp
Classification: Uncertain significance for Arrhythmogenic cardiomyopathy with wooly hair and keratoderma; Arrhythmogenic right ventricular dysplasia 8. Last evaluated: 2021-08-31. Review status: criteria provided, single submitter. Criteria: Invitae Variant Classification Sherloc (09022015). Collection method: clinical testing. Allele origin: germline.
Comment: This sequence change replaces isoleucine with valine at codon 624 of the DSP protein (p.Ile624Val). The isoleucine residue is moderately conserved and there is a small physicochemical difference between isoleucine and valine. This variant is not present in population databases (ExAC no frequency). This variant has not been reported in the literature in individuals affected with DSP-related conditions. Algorithms developed to predict the effect of missense changes on protein structure and function (SIFT, PolyPhen-2, Align-GVGD) all suggest that this variant is likely to be tolerated. In summary, the available evidence is currently insufficient to determine the role of this variant in disease. Therefore, it has been classified as a Variant of Uncertain Significance.